The following is an entry in ClinVar:

NM_001035.3(RYR2):c.13783-5T>G

Gene: RYR2 (ryanodine receptor 2; plus strand). Cytogenetic location: 1q43.
Variant type: single nucleotide variant.
Coding change: c.13783-5T>G on transcript NM_001035.3 (MANE Select); 5 bases into the intron before coding-DNA position 13783, T replaced by G.
Molecular consequence: intron variant.
Genome position (GRCh38, 1-based): chr1:237,793,862, T>G. VCF-style: chr1-237793862-T-G. GRCh37 (hg19) VCF-style: chr1-237957162-T-G.
Identifiers: ClinVar variation 3071944 (VCV003071944.1), dbSNP rs2527948805, ClinGen allele CA2651214961.

ClinVar aggregate classification (germline): Uncertain significance (1 of 4 stars; one submission).

Conditions:
Catecholaminergic polymorphic ventricular tachycardia (CVPT). Also called: Catecholamine-induced polymorphic ventricular tachycardia. Identifiers: Orphanet 3286, MedGen C5574922, MONDO:0017990.

gnomAD v4.1: 1 of 1,601,496 alleles (0.000062%); highest among the groups gnomAD compares: Non-Finnish European, 0.000086%; no homozygotes.

Submission:

All of Us Research Program, National Institutes of Health
Classification: Uncertain significance for Catecholaminergic polymorphic ventricular tachycardia. Last evaluated: 2023-06-26. Review status: criteria provided, single submitter. Criteria: ACMG Guidelines, 2015. Collection method: clinical testing. Allele origin: germline. Inheritance: Autosomal dominant inheritance. Observed: 1 variant allele, 1 heterozygote.
Comment: This variant causes a T to G nucleotide substitution at the -5 position of intron 94 of the RYR2 gene. Splice site prediction tools predict that this variant may have a significant impact on RNA splicing. To our knowledge, RNA studies have not been reported for this variant. This variant has not been reported in individuals affected with RYR2-related disorders in the literature. This variant has not been identified in the general population by the Genome Aggregation Database (gnomAD). The available evidence is insufficient to determine the role of this variant in disease conclusively. Therefore, this variant is classified as a Variant of Uncertain Significance.

This study involves interpretation of variants in research participants for the purpose of population health screening. Participant phenotype was not available at the time of variant classification. Additional details can be found in publication PMID: 35346344, PMCID: PMC8962531